The following is an entry in ClinVar:

ClinVar aggregate classification (germline): Conflicting classifications of pathogenicity. Review status: criteria provided, conflicting classifications (1 of 4 stars). 5 submissions from 5 submitters: Likely pathogenic (4); Uncertain significance (1). Last evaluated 2026-01-23.

Conditions:
Hyperammonemia, type III (NAGSD). Also called: Hyperammonemia due to N-acetylglutamate synthase deficiency. Identifiers: Orphanet 927, MedGen C0268543, MONDO:0009377, OMIM 237310.

Allele frequency attached by ClinVar (database versions not stated): gnomAD exomes 0.00002; TOPMed 0.00002; ExAC 0.00003; gnomAD 0.00006.

Submissions (5):

Natera, Inc.
Classification: Likely pathogenic for Hyperammonemia type III. Last evaluated: 2026-01-23. Review status: criteria provided, single submitter. Criteria: Natera Variant Classification Schema (03/2026). Collection method: clinical testing. Allele origin: germline.
Comment: The c.1552G>A variant in NAGS is a missense variant predicted to cause substitution of alanine to threonine at amino acid 518. This variant is rare in the general population with a frequency below the threshold expected for the associated phenotype(s). This variant has been observed in one or more individuals affected with the associated recessive disease, as either homozygous or compound heterozygous with a second variant (PMID: 15878741, 27037498). Computational prediction algorithms indicate this variant is likely to affect gene or protein function. Given the available evidence, this variant is classified as Likely Pathogenic.

Labcorp Genetics (formerly Invitae), Labcorp
Classification: Uncertain significance for Hyperammonemia, type III. Last evaluated: 2024-11-08. Review status: criteria provided, single submitter. Criteria: Invitae Variant Classification Sherloc (09022015). Collection method: clinical testing. Allele origin: germline.
Comment: This sequence change replaces alanine, which is neutral and non-polar, with threonine, which is neutral and polar, at codon 518 of the NAGS protein (p.Ala518Thr). This variant is present in population databases (rs745511282, gnomAD 0.005%). This missense change has been observed in individuals with NAGS-related conditions (PMID: 15878741, 27037498). ClinVar contains an entry for this variant (Variation ID: 2138048). Invitae Evidence Modeling of protein sequence and biophysical properties (such as structural, functional, and spatial information, amino acid conservation, physicochemical variation, residue mobility, and thermodynamic stability) indicates that this missense variant is not expected to disrupt NAGS protein function with a negative predictive value of 80%. Experimental studies have shown that this missense change affects NAGS function (PMID: 15878741). In summary, the available evidence is currently insufficient to determine the role of this variant in disease. Therefore, it has been classified as a Variant of Uncertain Significance.

Fulgent Genetics
Classification: Likely pathogenic for Hyperammonemia, type III. Last evaluated: 2024-02-20. Review status: criteria provided, single submitter. Criteria: ACMG Guidelines, 2015. Collection method: clinical testing. Allele origin: germline.

Revvity Omics, Revvity
Classification: Likely pathogenic for Hyperammonemia, type III. Last evaluated: 2022-03-04. Review status: criteria provided, single submitter. Criteria: ACMG Guidelines, 2015. Collection method: clinical testing. Allele origin: germline.

Juno Genomics, Hangzhou Juno Genomics, Inc
Classification: Likely pathogenic for Hyperammonemia, type III. Review status: criteria provided, single submitter. Criteria: ACMG Guidelines, 2015. Collection method: clinical testing. Allele origin: germline.
Comment: Absent from controls (or at extremely low frequency if recessive) in Genome Aggregation Database.;Multiple lines of computational evidence support a deleterious effect on the gene or gene product.;For recessive disorders, detected in trans with a pathogenic variant.;Patient's phenotype or family history is highly specific for a disease with a single genetic etiology.

Literature cited by the submitters: PubMed 15878741 (cited by Natera, Inc. and Labcorp Genetics (formerly Invitae), Labcorp); PubMed 27037498 (cited by Natera, Inc. and Labcorp Genetics (formerly Invitae), Labcorp).

NM_153006.3(NAGS):c.1552G>A (p.Ala518Thr)

Gene: NAGS (N-acetylglutamate synthase; plus strand). Cytogenetic location: 17q21.31.
Variant type: single nucleotide variant.
Coding change: c.1552G>A on transcript NM_153006.3 (MANE Select); coding-DNA position 1552, G replaced by A.
Protein change: p.Ala518Thr; replaces alanine 518 with threonine.
Molecular consequence: missense variant.
Genome position (GRCh38, 1-based): chr17:44,008,548, G>A. VCF-style: chr17-44008548-G-A. GRCh37 (hg19) VCF-style: chr17-42085916-G-A.
Other names: c.1552G>A (NM_153006.2); short protein forms A518T.
Identifiers: ClinVar variation 2138048 (VCV002138048.12), dbSNP rs745511282, ClinGen allele CA8595452.